The following is an entry in ClinVar:

NM_016239.4(MYO15A):c.9792G>A (p.Gln3264=)

Gene: MYO15A (myosin XVA; plus strand). Cytogenetic location: 17p11.2.
Variant type: single nucleotide variant.
Coding change: c.9792G>A on transcript NM_016239.4 (MANE Select); coding-DNA position 9792, G replaced by A.
Protein change: p.Gln3264=; no amino-acid change (glutamine 3264 retained).
Molecular consequence: synonymous variant.
Genome position (GRCh38, 1-based): chr17:18,166,365, G>A. VCF-style: chr17-18166365-G-A. GRCh37 (hg19) VCF-style: chr17-18069679-G-A.
Identifiers: ClinVar variation 322180 (VCV000322180.20), dbSNP rs149189607, ClinGen allele CA8425704.

ClinVar aggregate classification (germline): Conflicting classifications of pathogenicity. Review status: criteria provided, conflicting classifications (1 of 4 stars). 5 submissions from 5 submitters: Uncertain significance (1); Benign (2); Likely benign (2). Last evaluated 2026-01-24.

Conditions:
Autosomal recessive nonsyndromic hearing loss 3. Also called: NEUROSENSORY NONSYNDROMIC RECESSIVE DEAFNESS 3. Identifiers: Orphanet 90636, MedGen C1838263, MONDO:0010860, OMIM 600316.

Allele frequency attached by ClinVar (database versions not stated): TOPMed 0.00048; gnomAD 0.00051 and 0.00042; ExAC 0.00079; gnomAD exomes 0.00100 and 0.00021; 1000 Genomes Project 30x 0.00203; 1000 Genomes Project 0.00240.
gnomAD v4.1: 383 of 1,612,884 alleles (0.024%); highest among the groups gnomAD compares: East Asian, 0.75%; 4 homozygotes.

Submissions (5):

Labcorp Genetics (formerly Invitae), Labcorp
Classification: Benign. Last evaluated: 2026-01-24. Review status: criteria provided, single submitter. Criteria: Invitae Variant Classification Sherloc (09022015). Collection method: clinical testing. Allele origin: germline.

Blueprint Genetics
Classification: Likely benign. Last evaluated: 2024-11-08. Review status: criteria provided, single submitter. Criteria: ACMG Guidelines, 2015. Collection method: clinical testing. Allele origin: germline.

GeneDx
Classification: Likely benign. Last evaluated: 2021-11-11. Review status: criteria provided, single submitter. Criteria: GeneDx Variant Classification Process June 2021. Collection method: clinical testing. Allele origin: germline. Affected: yes.

Illumina Laboratory Services, Illumina
Classification: Uncertain significance for Autosomal recessive nonsyndromic hearing loss 3. Last evaluated: 2018-01-12. Review status: criteria provided, single submitter. Criteria: ICSL Variant Classification Criteria 13 December 2019. Collection method: clinical testing. Allele origin: germline.

Laboratory for Molecular Medicine, Mass General Brigham Personalized Medicine
Classification: Benign. Last evaluated: 2016-06-20. Review status: criteria provided, single submitter. Criteria: LMM Criteria. Collection method: clinical testing. Allele origin: germline. Observed: 3 variant alleles.
Comment: p.Gln3264Gln in exon 61 of MYO15A: This variant is not expected to have clinical significance because it does not alter an amino acid residue and is not located within the splice consensus sequence. It has been identified in 1% (89/8580) of East Asian chromosomes, including 1 homozygote, by the Exome Aggregation Consor tium (ExAC; dbSNP rs149189607).